The following is an entry in ClinVar:

NM_012123.4(MTO1):c.216C>T (p.Ile72=)

Gene: MTO1 (mitochondrial tRNA translation optimization 1; plus strand). Cytogenetic location: 6q13.
Variant type: single nucleotide variant.
Coding change: c.216C>T on transcript NM_012123.4 (MANE Select); coding-DNA position 216, C replaced by T.
Protein change: p.Ile72=; no amino-acid change (isoleucine 72 retained).
Molecular consequence: synonymous variant.
Genome position (GRCh38, 1-based): chr6:73,462,070, C>T. VCF-style: chr6-73462070-C-T. GRCh37 (hg19) VCF-style: chr6-74171793-C-T.
Other names: c.216C>T, p.Ile72= (NM_001123226.2, NM_133645.3).
Identifiers: ClinVar variation 1915750 (VCV001915750.3), dbSNP rs143046967, ClinGen allele CA3889247.

ClinVar aggregate classification (germline): Uncertain significance (1 of 4 stars; one submission).

Conditions:
Mitochondrial hypertrophic cardiomyopathy with lactic acidosis due to MTO1 deficiency. Also called: CARDIOMYOPATHY, INFANTILE HYPERTROPHIC MITOCHONDRIAL, AND LACTIC ACIDOSIS; Combined oxidative phosphorylation deficiency 10. Identifiers: Orphanet 314637, MedGen C4749921, MONDO:0013865, OMIM 614702.

gnomAD v4.1: 4 of 1,612,778 alleles (0.00025%); highest among the groups gnomAD compares: East Asian, 0.0045%; no homozygotes.

Submission:

Labcorp Genetics (formerly Invitae), Labcorp
Classification: Uncertain significance for Mitochondrial hypertrophic cardiomyopathy with lactic acidosis due to MTO1 deficiency. Last evaluated: 2022-06-03. Review status: criteria provided, single submitter. Criteria: Invitae Variant Classification Sherloc (09022015). Collection method: clinical testing. Allele origin: germline.
Comment: This variant has not been reported in the literature in individuals affected with MTO1-related conditions. In summary, the available evidence is currently insufficient to determine the role of this variant in disease. Therefore, it has been classified as a Variant of Uncertain Significance. Algorithms developed to predict the effect of sequence changes on RNA splicing suggest that this variant is not likely to affect RNA splicing. This variant is present in population databases (rs143046967, gnomAD 0.01%). This sequence change affects codon 72 of the MTO1 mRNA. It is a 'silent' change, meaning that it does not change the encoded amino acid sequence of the MTO1 protein. It affects a nucleotide within the consensus splice site.